The following is an entry in ClinVar:

NM_001197104.2(KMT2A):c.902G>A (p.Arg301Gln)

Gene: KMT2A (lysine methyltransferase 2A; plus strand). Cytogenetic location: 11q23.3.
Variant type: single nucleotide variant.
Coding change: c.902G>A on transcript NM_001197104.2 (MANE Select); coding-DNA position 902, G replaced by A.
Protein change: p.Arg301Gln; replaces arginine 301 with glutamine.
Molecular consequence: missense variant.
Genome position (GRCh38, 1-based): chr11:118,472,061, G>A. VCF-style: chr11-118472061-G-A. GRCh37 (hg19) VCF-style: chr11-118342776-G-A.
Other names: c.1001G>A, p.Arg334Gln (NM_001412597.1); c.902G>A, p.Arg301Gln (NM_005933.4); short protein forms R301Q, R334Q.
Identifiers: ClinVar variation 1803620 (VCV001803620.1), dbSNP rs781978595, ClinGen allele CA6303352.
Genomic context (GRCh38, chr11:118,472,061, plus strand): 5'-TCAAGTCTAAGTTTAAGACAGGGAAGCTTCAAATAGGAAGGAAGGGGGTACAAATTGTAC[G>A]ACGGAGAGGAAGGCCTCCATCAACAGAAAGGATAAAGACCCCTTCGGGTCTCCTCATTAA-3'
Protein context (NP_001184033.1, residues 291-311): QIGRKGVQIV[Arg301Gln]RRGRPPSTER

ClinVar aggregate classification (germline): Uncertain significance (1 of 4 stars; one submission).

Allele frequency attached by ClinVar (database versions not stated): gnomAD exomes 0.00001; ExAC 0.00002.
gnomAD v4.1: 4 of 1,613,608 alleles (0.00025%); highest among the groups gnomAD compares: Middle Eastern, 0.05%; no homozygotes.

Submission:

GeneDx
Classification: Uncertain significance. Last evaluated: 2022-06-06. Review status: criteria provided, single submitter. Criteria: GeneDx Variant Classification Process June 2021. Collection method: clinical testing. Allele origin: germline. Affected: yes.
Comment: In silico analysis supports that this missense variant does not alter protein structure/function; Has not been previously published as pathogenic or benign to our knowledge